The following is an entry in ClinVar:

NM_020812.4(DOCK6):c.4694C>T (p.Thr1565Met)

Genes: DOCK6 (dedicator of cytokinesis 6; minus strand), DOCK6-AS1 (DOCK6 antisense RNA 1; plus strand). Cytogenetic location: 19p13.2.
Variant type: single nucleotide variant.
Coding change: c.4694C>T on transcript NM_020812.4 (MANE Select); coding-DNA position 4694, C replaced by T.
Protein change: p.Thr1565Met; replaces threonine 1565 with methionine.
Molecular consequence: missense variant.
Genome position (GRCh38, 1-based): chr19:11,211,833, G>A on the plus strand (C>T on the coding strand, the complement: DOCK6 is on the minus strand). VCF-style: chr19-11211833-G-A. GRCh37 (hg19) VCF-style: chr19-11322509-G-A.
Other names: c.4799C>T, p.Thr1600Met (NM_001367830.1); short protein forms T1565M, T1600M.
Identifiers: ClinVar variation 1984839 (VCV001984839.4), dbSNP rs375331968, ClinGen allele CA9206759.

ClinVar aggregate classification (germline): Uncertain significance (1 of 4 stars; one submission).

Allele frequency attached by ClinVar (database versions not stated): gnomAD 0.00001; TOPMed 0.00002; gnomAD exomes 0.00004; ESP Exome Variant Server 0.00008.
gnomAD v4.1: 53 of 1,552,350 alleles (0.0034%); highest among the groups gnomAD compares: Non-Finnish European, 0.0043%; no homozygotes.

Submission:

Labcorp Genetics (formerly Invitae), Labcorp
Classification: Uncertain significance. Last evaluated: 2025-01-06. Review status: criteria provided, single submitter. Criteria: Invitae Variant Classification Sherloc (09022015). Collection method: clinical testing. Allele origin: germline.
Comment: This sequence change replaces threonine, which is neutral and polar, with methionine, which is neutral and non-polar, at codon 1565 of the DOCK6 protein (p.Thr1565Met). The frequency data for this variant in the population databases is considered unreliable, as metrics indicate poor data quality at this position in the gnomAD database. This variant has not been reported in the literature in individuals affected with DOCK6-related conditions. ClinVar contains an entry for this variant (Variation ID: 1984839). Invitae Evidence Modeling of protein sequence and biophysical properties (such as structural, functional, and spatial information, amino acid conservation, physicochemical variation, residue mobility, and thermodynamic stability) indicates that this missense variant is expected to disrupt DOCK6 protein function with a positive predictive value of 80%. In summary, the available evidence is currently insufficient to determine the role of this variant in disease. Therefore, it has been classified as a Variant of Uncertain Significance.